The following is an entry in ClinVar:

ClinVar aggregate classification (germline): Conflicting classifications of pathogenicity. Review status: criteria provided, conflicting classifications (1 of 4 stars). 2 submissions from 2 submitters: Uncertain significance (1); Likely benign (1). Last evaluated 2026-08-01.

Conditions:
Familial cold autoinflammatory syndrome 2 (FCAS2). Identifiers: Orphanet 247868, MedGen C2673198, MONDO:0012724, OMIM 611762.

Allele frequency attached by ClinVar (database versions not stated): 1000 Genomes Project 30x 0.00031; 1000 Genomes Project 0.00040; gnomAD 0.00121; TOPMed 0.00149.
gnomAD v4.1: 1,125 of 770,354 alleles (0.15%); highest among the groups gnomAD compares: Non-Finnish European, 0.22%; 3 homozygotes.

Submissions (2):

CeGaT Center for Human Genetics Tuebingen
Classification: Likely benign. Last evaluated: 2026-08-01. Review status: criteria provided, single submitter. Criteria: CeGaT Center For Human Genetics Tuebingen Variant Classification Criteria Version 2. Collection method: clinical testing. Allele origin: germline. Affected: yes. Observed: 4 variant alleles.
Comment: NLRP12: BS1

Illumina Laboratory Services, Illumina
Classification: Uncertain significance for Familial cold autoinflammatory syndrome 2. Last evaluated: 2018-01-13. Review status: criteria provided, single submitter. Criteria: ICSL Variant Classification Criteria 13 December 2019. Collection method: clinical testing. Allele origin: germline.

NM_144687.3(NLRP12):c.-143C>A

Gene: NLRP12 (NLR family pyrin domain containing 12; minus strand). Cytogenetic location: 19q13.42.
Variant type: single nucleotide variant.
Coding change: c.-143C>A on transcript NM_144687.3; 143 bases upstream of the start codon, C replaced by A.
Molecular consequence: 5 prime UTR variant (on NM_001277129.1).
Genome position (GRCh38, 1-based): chr19:53,824,317, G>T on the plus strand (C>A on the coding strand, the complement: NLRP12 is on the minus strand). VCF-style: chr19-53824317-G-T. GRCh37 (hg19) VCF-style: chr19-54327571-G-T.
Other names: c.-143C>A (NM_001277129.1).
Identifiers: ClinVar variation 330053 (VCV000330053.32), dbSNP rs190223587, ClinGen allele CA10649050.